The following is an entry in ClinVar:

NM_001013838.3(CARMIL2):c.227C>T (p.Ala76Val)

Gene: CARMIL2 (capping protein regulator and myosin 1 linker 2; plus strand). Cytogenetic location: 16q22.1.
Variant type: single nucleotide variant.
Coding change: c.227C>T on transcript NM_001013838.3 (MANE Select); coding-DNA position 227, C replaced by T.
Protein change: p.Ala76Val; replaces alanine 76 with valine.
Molecular consequence: missense variant.
Genome position (GRCh38, 1-based): chr16:67,646,058, C>T. VCF-style: chr16-67646058-C-T. GRCh37 (hg19) VCF-style: chr16-67679961-C-T.
Other names: c.227C>T, p.Ala76Val (NM_001317026.3); short protein forms A76V.
Identifiers: ClinVar variation 1420200 (VCV001420200.6), dbSNP rs560546885, ClinGen allele CA8112984.

ClinVar aggregate classification (germline): Uncertain significance (1 of 4 stars; one submission).

Allele frequency attached by ClinVar (database versions not stated): gnomAD exomes 0.00003 and 0.00016; gnomAD 0.00004 and 0.00005; TOPMed 0.00008; ExAC 0.00017; 1000 Genomes Project 0.00020; 1000 Genomes Project 30x 0.00031.
gnomAD v4.1: 53 of 1,613,790 alleles (0.0033%); highest among the groups gnomAD compares: East Asian, 0.085%; no homozygotes.

Submission:

Labcorp Genetics (formerly Invitae), Labcorp
Classification: Uncertain significance. Last evaluated: 2025-10-26. Review status: criteria provided, single submitter. Criteria: Invitae Variant Classification Sherloc (09022015). Collection method: clinical testing. Allele origin: germline.
Comment: This sequence change replaces alanine, which is neutral and non-polar, with valine, which is neutral and non-polar, at codon 76 of the CARMIL2 protein (p.Ala76Val). This variant is present in population databases (rs560546885, gnomAD 0.2%). This variant has not been reported in the literature in individuals affected with CARMIL2-related conditions. ClinVar contains an entry for this variant (Variation ID: 1420200). An algorithm developed to predict the effect of missense changes on protein structure and function outputs the following: PolyPhen-2: "Benign". The valine amino acid residue is found in multiple mammalian species, which suggests that this missense change does not adversely affect protein function. In summary, the available evidence is currently insufficient to determine the role of this variant in disease. Therefore, it has been classified as a Variant of Uncertain Significance.